The following is an entry in ClinVar:

ClinVar aggregate classification (germline): Uncertain significance (1 of 4 stars; one submission).

Conditions:
Inborn genetic diseases. Identifiers: MedGen C0950123, MeSH D030342.

Submission:

Ambry Genetics
Classification: Uncertain significance for Inborn genetic diseases. Last evaluated: 2020-04-14. Review status: criteria provided, single submitter. Criteria: Ambry Variant Classification Scheme 2023. Collection method: clinical testing. Allele origin: germline.
Comment: The alteration results in an amino acid change:_x000D_ _x000D_ The c.7382A>G (p.H2461R) alteration is located in exon 43 (coding exon 42) of the USP9X gene. This alteration results from an A to G substitution at nucleotide position 7382, causing the histidine (H) at amino acid position 2461 to be replaced by an arginine (R). The alteration is not observed in population databases:_x000D_ _x000D_ Based on data from the Genome Aggregation Database (gnomAD), the USP9X c.7382A>G alteration was not observed, with coverage at this position. The altered amino acid is conserved throughout evolution:_x000D_ _x000D_ The p.H2461 amino acid is completely conserved in available vertebrate species. The alteration is predicted tolerated by in silico modeling:_x000D_ _x000D_ The p.H2461R alteration is predicted to be tolerated by in silico analysis. Based on insufficient or conflicting evidence, the clinical significance of this alteration remains unclear.

NM_001039591.3(USP9X):c.7382A>G (p.His2461Arg)

Gene: USP9X (ubiquitin specific peptidase 9 X-linked; plus strand). Cytogenetic location: Xp11.4.
Variant type: single nucleotide variant.
Coding change: c.7382A>G on transcript NM_001039591.3 (MANE Select); coding-DNA position 7382, A replaced by G.
Protein change: p.His2461Arg; replaces histidine 2461 with arginine.
Molecular consequence: missense variant.
Genome position (GRCh38, 1-based): chrX:41,229,730, A>G. VCF-style: chrX-41229730-A-G. GRCh37 (hg19) VCF-style: chrX-41088983-A-G.
Other names: c.7382A>G, p.His2461Arg (NM_001039590.3); short protein forms H2461R.
Identifiers: ClinVar variation 985881 (VCV000985881.4), dbSNP rs2063343954, ClinGen allele CA412753602.
Genomic context (GRCh38, chrX:41,229,730, plus strand): 5'-ATTGGTCTCCCCCAGTGCAAAGCAATGAAACGTCCAATGGTTATTTCTTGGAGAGATCAC[A>G]TAGTGCTAGGATGACACTTGCAAAAGCTTGTGAACTCTGTCCAGAGGAGGTAAAAAAAGC-3'
Protein context (NP_001034680.2, residues 2451-2471): TSNGYFLERS[His2461Arg]SARMTLAKAC